The following is an entry in ClinVar:

ClinVar aggregate classification (germline): Uncertain significance (1 of 4 stars; one submission).

gnomAD v4.1: 4 of 1,211,852 alleles (0.00033%); highest among the groups gnomAD compares: Middle Eastern, 0.023%; no homozygotes.

Submission:

Labcorp Genetics (formerly Invitae), Labcorp
Classification: Uncertain significance. Last evaluated: 2025-11-04. Review status: criteria provided, single submitter. Criteria: Invitae Variant Classification Sherloc (09022015). Collection method: clinical testing. Allele origin: germline.
Comment: This sequence change replaces arginine, which is basic and polar, with histidine, which is basic and polar, at codon 387 of the ATP6AP1 protein (p.Arg387His). This variant is not present in population databases (gnomAD no frequency). This variant has not been reported in the literature in individuals affected with ATP6AP1-related conditions. ClinVar contains an entry for this variant (Variation ID: 3622184). Invitae Evidence Modeling of protein sequence and biophysical properties (such as structural, functional, and spatial information, amino acid conservation, physicochemical variation, residue mobility, and thermodynamic stability) indicates that this missense variant is not expected to disrupt ATP6AP1 protein function with a negative predictive value of 80%. In summary, the available evidence is currently insufficient to determine the role of this variant in disease. Therefore, it has been classified as a Variant of Uncertain Significance.

NM_001183.6(ATP6AP1):c.1160G>A (p.Arg387His)

Gene: ATP6AP1 (ATPase H+ transporting accessory protein 1; plus strand). Cytogenetic location: Xq28.
Variant type: single nucleotide variant.
Coding change: c.1160G>A on transcript NM_001183.6 (MANE Select); coding-DNA position 1160, G replaced by A.
Protein change: p.Arg387His; replaces arginine 387 with histidine.
Molecular consequence: missense variant.
Genome position (GRCh38, 1-based): chrX:154,435,462, G>A. VCF-style: chrX-154435462-G-A. GRCh37 (hg19) VCF-style: chrX-153663808-G-A.
Other names: short protein forms R387H.
Identifiers: ClinVar variation 3622184 (VCV003622184.2).